The following is an entry in ClinVar:

ClinVar aggregate classification (germline): Uncertain significance (1 of 4 stars; one submission).

Submission:

GeneDx
Classification: Uncertain significance. Last evaluated: 2026-03-23. Review status: criteria provided, single submitter. Criteria: GeneDx Variant Classification Process June 2021. Collection method: clinical testing. Allele origin: germline.
Comment: Not observed at significant frequency in large population cohorts (gnomAD); In silico analysis supports that this missense variant has a deleterious effect on protein structure/function; Has not been previously published as pathogenic or benign to our knowledge

NM_018896.5(CACNA1G):c.3314G>C (p.Ser1105Thr)

Gene: CACNA1G (calcium voltage-gated channel subunit alpha1 G; plus strand). Cytogenetic location: 17q21.33.
Variant type: single nucleotide variant.
Coding change: c.3314G>C on transcript NM_018896.5 (MANE Select); coding-DNA position 3314, G replaced by C.
Protein change: p.Ser1105Thr; replaces serine 1105 with threonine.
Molecular consequence: missense variant. On other transcripts: non-coding transcript variant (5).
Genome position (GRCh38, 1-based): chr17:50,599,483, G>C. VCF-style: chr17-50599483-G-C. GRCh37 (hg19) VCF-style: chr17-48676844-G-C.
Other names: c.3245G>C, p.Ser1082Thr (NM_198383.3, NM_198387.3, NM_198388.3 and 5 more transcripts); c.3314G>C, p.Ser1105Thr (NM_198384.3, NM_198385.3, NM_198386.3 and 16 more transcripts); short protein forms S1082T, S1105T.
Identifiers: ClinVar variation 5017252 (VCV005017252.1).
Genomic context (GRCh38, chr17:50,599,483, plus strand): 5'-CACAGCCCAGCGCCCGCAGCTCTCCGCACAGCCCCTGGAGCGCTGCAAGCAGCTGGACCA[G>C]CAGGCGCTCCAGCCGGAACAGCCTCGGCCGTGCACCCAGCCTGAAGCGGAGAAGCCCAAG-3'
Protein context (NP_061496.2, residues 1095-1115): SPWSAASSWT[Ser1105Thr]RRSSRNSLGR